The following is an entry in ClinVar:

ClinVar aggregate classification (germline): Pathogenic/Likely pathogenic. Review status: criteria provided, multiple submitters, no conflicts (2 of 4 stars). 18 submissions from 18 submitters: Pathogenic (14); Likely pathogenic (2). 2 of the submissions do not count toward it. Last evaluated 2026-04-29.

Conditions:
RIT1-related disorder. Also called: RIT1-related condition.
Noonan syndrome and Noonan-related syndrome. Identifiers: Orphanet 98733, MedGen C5681679, MONDO:0020297.
Inborn genetic diseases. Identifiers: MedGen C0950123, MeSH D030342.
Noonan syndrome 8 (NS8). Identifiers: Orphanet 648, MedGen C3809233, MONDO:0014143, OMIM 615355.
RASopathy. Also called: Noonan spectrum disorder; rasopathies. Identifiers: Orphanet 536391, MedGen C5555857, MONDO:0021060.
Noonan syndrome (NS). Also called: Noonan's syndrome. Identifiers: Orphanet 648, MedGen C0028326, MeSH D009634, MONDO:0018997. Disease mechanism: gain of function.

Submissions 1 to 10 of 18:

Clinical Genomics Laboratory, Washington University in St. Louis
Classification: Pathogenic for Noonan syndrome 8. Last evaluated: 2026-04-29. Review status: criteria provided, single submitter. Criteria: ACMG Guidelines, 2015. Collection method: clinical testing. Allele origin: germline. Affected: yes.
Comment: The RIT1 c.242A>G (p.Glu81Gly) variant, also reported as p.Glu98Gly in the NM_001256821.2 transcript, has been reported in at least three individuals affected with NS type 8 and has been reported as occurring de novo in at least one of these individuals (Aoki Y et al., PMID: 23791108; Aoki Y et al., PMID: 26446362; Cave H et al., PMID: 26757980). This variant has been reported in the ClinVar database as a germline pathogenic variant by 15 submitters and as a likely pathogenic variant by two submitters. This variant is absent from the general population (gnomAD v4.1.1), indicating it is not a common variant. Computational predictors indicate that the variant is damaging, evidence that correlates with impact on RIT1 function. Functional studies show that the variant leads to increased MAPK pathway activation and enhanced downstream signaling in cell-based assays, and zebrafish overexpression studies demonstrate developmental abnormalities such as craniofacial defects, cardiac edema, and body axis abnormalities consistent with pathway dysregulation, indicating that this variant impacts protein function (Aoki Y et al., PMID: 23791108). This variant resides within a region, amino acids 75–82, of RIT1 that is defined as a critical functional domain (per ClinGen’s RASopathies Expert Panel guidelines). Based on available information and the ClinGen’s RASopathies Expert Panel guidelines (Gelb BD et al., PMID: 29493581), this variant is classified as pathogenic.

PreventionGenetics, part of Exact Sciences
Classification: Pathogenic for RIT1-related condition. Last evaluated: 2025-11-11. Review status: criteria provided, single submitter. Criteria: ACMG Guidelines, 2015. Collection method: clinical testing. Allele origin: germline.
Comment: The RIT1 c.293A>G variant is predicted to result in the amino acid substitution p.Glu98Gly. This variant is also referred to as c.242A>G (p.Glu81Gly) in the literature. This variant has been reported in at least four unrelated individuals with Noonan syndrome, including one de novo case (Aoki et al. 2013. PubMed ID: 23791108; Cavé et al. 2016. PubMed ID: 26757980; Ramond et al. 2017. PubMed ID: 28347726). In vitro functional studies suggest that this variant could lead to gain of function in the mutant RIT1 protein, and a zebrafish disease model shows craniofacial and cardiac defects (Aoki et al. 2013. PubMed ID: 23791108). This variant has not been reported in a large population database (gnomAD), indicating it is rare. This variant is interpreted as pathogenic.

GeneDx
Classification: Pathogenic. Last evaluated: 2025-11-10. Review status: criteria provided, single submitter. Criteria: GeneDx Variant Classification Process June 2021. Collection method: clinical testing. Allele origin: germline. Affected: yes.
Comment: Published functional studies demonstrated that zebrafish embryos injected with RIT1 mRNA carrying p.(E81G) exhibit craniofacial and heart defects (PMID: 23791108); In silico analysis supports that this missense variant has a deleterious effect on protein structure/function; Not observed at significant frequency in large population cohorts (gnomAD); This variant is associated with the following publications: (PMID: 23765226, 26446362, 24803665, 25959749, 33794220, 33128510, 26757980, 28347726, 37264205, 23791108, 34714385)

Labcorp Genetics (formerly Invitae), Labcorp
Classification: Pathogenic for Noonan syndrome 8. Last evaluated: 2025-10-13. Review status: criteria provided, single submitter. Criteria: Invitae Variant Classification Sherloc (09022015). Collection method: clinical testing. Allele origin: germline.
Comment: This sequence change replaces glutamic acid, which is acidic and polar, with glycine, which is neutral and non-polar, at codon 81 of the RIT1 protein (p.Glu81Gly). This variant is not present in population databases (gnomAD no frequency). This missense change has been observed in individuals with Noonan syndrome (PMID: 23791108, 26757980). ClinVar contains an entry for this variant (Variation ID: 183405). Invitae Evidence Modeling incorporating data from in vitro experimental studies (internal data) indicates that this missense variant is expected to disrupt RIT1 function with a positive predictive value of 95%. Experimental studies have shown that this missense change affects RIT1 function (PMID: 23791108). For these reasons, this variant has been classified as Pathogenic.

ARUP Laboratories, Molecular Genetics and Genomics, ARUP Laboratories
Classification: Pathogenic for Noonan syndrome 8. Last evaluated: 2025-02-21. Review status: criteria provided, single submitter. Criteria: ARUP Molecular Germline Variant Investigation Process 2024. Collection method: clinical testing. Allele origin: germline.
Comment: The RIT1 c.242A>G; p.Glu81Gly variant (rs869025193) is reported in individuals with Noonan syndrome (Aoki 2013, Cave 2016), and is also reported in ClinVar (Variation ID: 183405). This variant is located in the switch II region of RIT1, and several additional variants in neighboring codons have been identified in Noonan patients (Aoki 2013, Gomez-Segui 2013). Functional studies demonstrated that the p.Glu81Gly variant results in increased ELK1 transactivation, and an in vivo animal model with p.Glu81Gly developed heart and facial defects (Aoki 2013). This variant is absent from the Genome Aggregation Database, indicating it is not a common polymorphism. Computational analyses predict that this variant is deleterious (REVEL: 0.902). Based on available information, this variant is considered to be pathogenic. References: Aoki Y et al. Gain-of-function mutations in RIT1 cause Noonan syndrome, a RAS/MAPK pathway syndrome. Am J Hum Genet. 2013 Jul 11;93(1):173-80. PMID: 23791108. Cave H et al. Mutations in RIT1 cause Noonan syndrome with possible juvenile myelomonocytic leukemia but are not involved in acute lymphoblastic leukemia. Eur J Hum Genet. 2016 Aug;24(8):1124-31. PMID: 26757980. Gomez-Segui I et al. Novel recurrent mutations in the RAS-like GTP-binding gene RIT1 in myeloid malignancies. Leukemia. 2013 Sep;27(9):1943-6. PMID: 23765226.

Petrovsky National Research Centre of Surgery, The Federal Agency for Scientific Organizations
Classification: Pathogenic for Noonan syndrome 8. Last evaluated: 2023-05-10. Review status: criteria provided, single submitter. Criteria: ACMG Guidelines, 2015. Collection method: clinical testing. Allele origin: germline. Inheritance: Autosomal dominant inheritance. Affected: yes. Observed: 1 heterozygote.
Comment: The c.242A>G is absent in The Genome Aggregation Database (gnomAD) (Date of access: 05-05-2023). In accordance with ACMG(2015) criteria this variant is classified as a pathogenic variant with the following criteria selected: PS4_Supporting, PS3, PM2, PM6, PP3, (PP5).

Women's Health and Genetics/Laboratory Corporation of America, LabCorp
Classification: Pathogenic for RASopathy. Last evaluated: 2023-05-08. Review status: criteria provided, single submitter. Criteria: LabCorp Variant Classification Summary - May 2015. Collection method: clinical testing. Allele origin: germline.
Comment: Variant summary: RIT1 c.242A>G (p.Glu81Gly) results in a non-conservative amino acid change located in the Small GTP-binding protein domain (IPR005225) of the encoded protein sequence. Five of five in-silico tools predict a damaging effect of the variant on protein function. The variant was absent in 250506 control chromosomes (gnomAD). c.242A>G has been reported in the literature in multiple individuals affected with Noonan Syndrome And Related Conditions (e.g. Aoki_2013, Cave_2016, Ramond_2017, Bell_2021). These data indicate that the variant is very likely to be associated with disease. Experimental evidence evaluating an impact on protein function demonstrated the variant to confer significantly increased transcriptional activity by ELK1 compared to the WT (Aoki_2013), consistent with the established gain-of-function mechanism of disease for RIT1. Furthermore, zebrafish embryos with the variant displayed heart and facial abnormalities, with a small percentage of them being severely disorganized (Aoki_2013). The following publications have been ascertained in the context of this evaluation (PMID: 23791108, 33794220, 26757980, 28347726). Nine ClinVar submitters have assessed the variant since 2014: eight have classified the variant as pathogenic, and one as likely pathogenic. Based on the evidence outlined above, the variant was classified as pathogenic.

Genome-Nilou Lab
Classification: Likely pathogenic for Noonan syndrome 8. Last evaluated: 2023-04-11. Review status: criteria provided, single submitter. Criteria: ACMG Guidelines, 2015. Collection method: clinical testing. Allele origin: germline. Affected: no.

Mayo Clinic Laboratories, Mayo Clinic
Classification: Pathogenic. Last evaluated: 2023-02-06. Review status: criteria provided, single submitter. Criteria: ACMG Guidelines, 2015. Collection method: clinical testing. Allele origin: germline. Observed: 1 variant allele.
Comment: PP3, PM1, PM2_supporting, PM6, PS3_moderate, PS4

Blueprint Genetics
Classification: Pathogenic for RIT1-related disorders. Last evaluated: 2023-01-27. Review status: criteria provided, single submitter. Criteria: ACMG Guidelines, 2015. Collection method: clinical testing. Allele origin: germline. Affected: yes. Observed: 5 variant alleles.

NM_006912.6(RIT1):c.242A>G (p.Glu81Gly)

Gene: RIT1 (Ras like without CAAX 1; minus strand). Cytogenetic location: 1q22.
Variant type: single nucleotide variant.
Coding change: c.242A>G on transcript NM_006912.6 (MANE Select); coding-DNA position 242, A replaced by G.
Protein change: p.Glu81Gly; replaces glutamic acid 81 with glycine.
Molecular consequence: missense variant.
Genome position (GRCh38, 1-based): chr1:155,904,498, T>C on the plus strand (A>G on the coding strand, the complement: RIT1 is on the minus strand). VCF-style: chr1-155904498-T-C. GRCh37 (hg19) VCF-style: chr1-155874289-T-C.
Other names: c.134A>G, p.Glu45Gly (NM_001256820.2); c.293A>G, p.Glu98Gly (NM_001256821.2); short protein forms E81G, E98G, E45G.
Identifiers: ClinVar variation 183405 (VCV000183405.46), dbSNP rs869025193, ClinGen allele CA353880.